The following is an entry in ClinVar:

ClinVar aggregate classification (germline): Uncertain significance. Review status: criteria provided, multiple submitters, no conflicts (2 of 4 stars). 2 submissions from 2 submitters: Uncertain significance (2). Last evaluated 2023-12-30.

Conditions:
Inborn genetic diseases. Identifiers: MedGen C0950123, MeSH D030342.
Pitt-Hopkins-like syndrome 2 (PTHSL2). Identifiers: Orphanet 221150, Orphanet 600663, MedGen C3280479, MONDO:0013690, OMIM 614325.

Allele frequency attached by ClinVar (database versions not stated): TOPMed 0.00002; gnomAD exomes 0.00003; ExAC 0.00004.
gnomAD v4.1: 43 of 1,609,272 alleles (0.0027%); highest among the groups gnomAD compares: Non-Finnish European, 0.0033%; no homozygotes.

Submissions (2):

Labcorp Genetics (formerly Invitae), Labcorp
Classification: Uncertain significance for Pitt-Hopkins-like syndrome 2. Last evaluated: 2023-12-30. Review status: criteria provided, single submitter. Criteria: Invitae Variant Classification Sherloc (09022015). Collection method: clinical testing. Allele origin: germline.
Comment: This sequence change replaces threonine, which is neutral and polar, with methionine, which is neutral and non-polar, at codon 757 of the NRXN1 protein (p.Thr757Met). The frequency data for this variant in the population databases is considered unreliable, as metrics indicate poor data quality at this position in the gnomAD database. This variant has not been reported in the literature in individuals affected with NRXN1-related conditions. ClinVar contains an entry for this variant (Variation ID: 2322657). An algorithm developed to predict the effect of missense changes on protein structure and function (PolyPhen-2) suggests that this variant is likely to be disruptive. In summary, the available evidence is currently insufficient to determine the role of this variant in disease. Therefore, it has been classified as a Variant of Uncertain Significance.

Ambry Genetics
Classification: Uncertain significance for Inborn genetic diseases. Last evaluated: 2022-11-07. Review status: criteria provided, single submitter. Criteria: Ambry Variant Classification Scheme 2023. Collection method: clinical testing. Allele origin: germline.

NM_001330078.2(NRXN1):c.2150C>T (p.Thr717Met)

Gene: NRXN1 (neurexin 1; minus strand). Cytogenetic location: 2p16.3.
Variant type: single nucleotide variant.
Coding change: c.2150C>T on transcript NM_001330078.2 (MANE Select); coding-DNA position 2150, C replaced by T.
Protein change: p.Thr717Met; replaces threonine 717 with methionine.
Molecular consequence: missense variant.
Genome position (GRCh38, 1-based): chr2:50,531,424, G>A on the plus strand (C>T on the coding strand, the complement: NRXN1 is on the minus strand). VCF-style: chr2-50531424-G-A. GRCh37 (hg19) VCF-style: chr2-50758562-G-A.
Other names: c.2270C>T, p.Thr757Met (NM_001135659.3); c.2126C>T, p.Thr709Met (NM_001330077.2, NM_001330082.2, NM_001330095.2); c.2111C>T, p.Thr704Met (NM_001330083.2, NM_001330084.2); c.2150C>T, p.Thr717Met (NM_001330085.2, NM_001330086.2, NM_004801.6); c.2066C>T, p.Thr689Met (NM_001330087.2, NM_001330096.2); c.2096C>T, p.Thr699Met (NM_001330088.2); c.2147C>T, p.Thr716Met (NM_001330093.2); c.2138C>T, p.Thr713Met (NM_001330094.2); short protein forms T689M, T716M, T709M, T717M, T757M, T699M, T704M, T713M.
Identifiers: ClinVar variation 2322657 (VCV002322657.5), dbSNP rs202044060, ClinGen allele CA1654903.